The following is an entry in ClinVar:

ClinVar aggregate classification (germline): Uncertain significance (1 of 4 stars; one submission).

Allele frequency attached by ClinVar (database versions not stated): ExAC 0.00002; gnomAD 0.00003; TOPMed 0.00003; ESP Exome Variant Server 0.00008.
gnomAD v4.1: 35 of 1,613,998 alleles (0.0022%); highest among the groups gnomAD compares: African/African-American, 0.0093%; no homozygotes.

Submission:

Labcorp Genetics (formerly Invitae), Labcorp
Classification: Uncertain significance. Last evaluated: 2024-04-08. Review status: criteria provided, single submitter. Criteria: Invitae Variant Classification Sherloc (09022015). Collection method: clinical testing. Allele origin: germline.
Comment: This sequence change replaces arginine, which is basic and polar, with histidine, which is basic and polar, at codon 953 of the SORL1 protein (p.Arg953His). This variant is present in population databases (rs374275150, gnomAD 0.02%). This variant has not been reported in the literature in individuals affected with SORL1-related conditions. ClinVar contains an entry for this variant (Variation ID: 2180559). An algorithm developed to predict the effect of missense changes on protein structure and function (PolyPhen-2) suggests that this variant is likely to be disruptive. In summary, the available evidence is currently insufficient to determine the role of this variant in disease. Therefore, it has been classified as a Variant of Uncertain Significance.

NM_003105.6(SORL1):c.2858G>A (p.Arg953His)

Gene: SORL1 (sortilin related receptor 1; plus strand). Cytogenetic location: 11q24.1.
Variant type: single nucleotide variant.
Coding change: c.2858G>A on transcript NM_003105.6 (MANE Select); coding-DNA position 2858, G replaced by A.
Protein change: p.Arg953His; replaces arginine 953 with histidine.
Molecular consequence: missense variant.
Genome position (GRCh38, 1-based): chr11:121,558,785, G>A. VCF-style: chr11-121558785-G-A. GRCh37 (hg19) VCF-style: chr11-121429494-G-A.
Other names: short protein forms R953H.
Identifiers: ClinVar variation 2180559 (VCV002180559.4), dbSNP rs374275150, ClinGen allele CA6329071.